The following is an entry in ClinVar:

ClinVar aggregate classification (germline): Uncertain significance (1 of 4 stars; one submission).

Allele frequency attached by ClinVar (database versions not stated): gnomAD 0.00001; gnomAD exomes 0.00001; TOPMed 0.00001; ExAC 0.00002.
gnomAD v4.1: 17 of 1,606,742 alleles (0.0011%); highest among the groups gnomAD compares: South Asian, 0.0044%; no homozygotes.

Submission:

Labcorp Genetics (formerly Invitae), Labcorp
Classification: Uncertain significance. Last evaluated: 2022-05-15. Review status: criteria provided, single submitter. Criteria: Invitae Variant Classification Sherloc (09022015). Collection method: clinical testing. Allele origin: germline.
Comment: This sequence change replaces threonine, which is neutral and polar, with methionine, which is neutral and non-polar, at codon 455 of the TELO2 protein (p.Thr455Met). This variant is present in population databases (rs752105226, gnomAD 0.007%). This variant has not been reported in the literature in individuals affected with TELO2-related conditions. Algorithms developed to predict the effect of missense changes on protein structure and function (SIFT, PolyPhen-2, Align-GVGD) all suggest that this variant is likely to be tolerated. Algorithms developed to predict the effect of sequence changes on RNA splicing suggest that this variant may create or strengthen a splice site. In summary, the available evidence is currently insufficient to determine the role of this variant in disease. Therefore, it has been classified as a Variant of Uncertain Significance.

NM_016111.4(TELO2):c.1364C>T (p.Thr455Met)

Gene: TELO2 (telomere maintenance 2; plus strand). Cytogenetic location: 16p13.3.
Variant type: single nucleotide variant.
Coding change: c.1364C>T on transcript NM_016111.4 (MANE Select); coding-DNA position 1364, C replaced by T.
Protein change: p.Thr455Met; replaces threonine 455 with methionine.
Molecular consequence: missense variant.
Genome position (GRCh38, 1-based): chr16:1,501,665, C>T. VCF-style: chr16-1501665-C-T. GRCh37 (hg19) VCF-style: chr16-1551666-C-T.
Other names: c.1364C>T, p.Thr455Met (NM_001351846.2); short protein forms T455M.
Identifiers: ClinVar variation 1978812 (VCV001978812.1), dbSNP rs752105226, ClinGen allele CA7812110.